The following is an entry in ClinVar:

NM_020795.4(NLGN2):c.1649C>T (p.Pro550Leu)

Gene: NLGN2 (neuroligin 2; plus strand). Cytogenetic location: 17p13.1.
Variant type: single nucleotide variant.
Coding change: c.1649C>T on transcript NM_020795.4 (MANE Select); coding-DNA position 1649, C replaced by T.
Protein change: p.Pro550Leu; replaces proline 550 with leucine.
Molecular consequence: missense variant.
Genome position (GRCh38, 1-based): chr17:7,416,940, C>T. VCF-style: chr17-7416940-C-T. GRCh37 (hg19) VCF-style: chr17-7320259-C-T.
Other names: short protein forms P550L.
Identifiers: ClinVar variation 4557955 (VCV004557955.2).

ClinVar aggregate classification (germline): Uncertain significance. Review status: criteria provided, multiple submitters, no conflicts (2 of 4 stars). 2 submissions from 2 submitters: Uncertain significance (2). Last evaluated 2025-11-26.

Submissions (2):

Ambry Genetics
Classification: Uncertain significance. Last evaluated: 2025-11-26. Review status: criteria provided, single submitter. Criteria: Ambry Variant Classification Scheme 2023. Collection method: clinical testing. Allele origin: germline.

Labcorp Genetics (formerly Invitae), Labcorp
Classification: Uncertain significance. Last evaluated: 2025-02-12. Review status: criteria provided, single submitter. Criteria: Invitae Variant Classification Sherloc (09022015). Collection method: clinical testing. Allele origin: germline.
Comment: This sequence change replaces proline, which is neutral and non-polar, with leucine, which is neutral and non-polar, at codon 550 of the NLGN2 protein (p.Pro550Leu). This variant is not present in population databases (gnomAD no frequency). This variant has not been reported in the literature in individuals affected with NLGN2-related conditions. Invitae Evidence Modeling of protein sequence and biophysical properties (such as structural, functional, and spatial information, amino acid conservation, physicochemical variation, residue mobility, and thermodynamic stability) indicates that this missense variant is not expected to disrupt NLGN2 protein function with a negative predictive value of 80%. In summary, the available evidence is currently insufficient to determine the role of this variant in disease. Therefore, it has been classified as a Variant of Uncertain Significance.